The following is an entry in ClinVar:

ClinVar aggregate classification (germline): Uncertain significance (1 of 4 stars; one submission).

Allele frequency attached by ClinVar (database versions not stated): gnomAD exomes 0.00001 and 0.00002; ExAC 0.00004; gnomAD 0.00007 and 0.00008; ESP Exome Variant Server 0.00015; TOPMed 0.00015; 1000 Genomes Project 30x 0.00031; 1000 Genomes Project 0.00040.

Submission:

GeneDx
Classification: Uncertain significance. Last evaluated: 2015-08-21. Review status: criteria provided, single submitter. Criteria: GeneDx Variant Classification (06012015). Collection method: clinical testing. Allele origin: germline. Affected: yes.
Comment: The c.1 A>G variant in the HSPB3 gene has not been reported previously as a disease-causing mutation nor as a benign polymorphism, to our knowledge. The variant alters the initiator Methionine codon, and the resultant protein would be described as p.Met1? using a question mark to signify that it is not known if the loss of Met1 means that all protein translation is completely prevented or if an abnormal protein is produced using an alternate Methionine. The c.1 A>G was not observed at any significant frequency in approximately 6,500 samples in the NHLBI Exome Sequencing Project but the 1000 Genomes Project reports c.1 A>G was observed in 2/4406 (0.15%) alleles from individuals of African background. To date, only a single missense variant has been reported in association with motor neuropathy (Stenson et al., 2014). It is unclear if the c.1 A>G variant would lead to loss of function or altered expression and whether this mechanism could cause disease. Therefore, given the available information, we interpret c.1 A>G as a variant of unknown significance.

NM_006308.3(HSPB3):c.1A>G (p.Met1Val)

Gene: HSPB3 (heat shock protein family B (small) member 3; plus strand). Cytogenetic location: 5q11.2.
Variant type: single nucleotide variant.
Coding change: c.1A>G on transcript NM_006308.3 (MANE Select); coding-DNA position 1, A replaced by G.
Protein change: p.Met1Val; changes the start codon (methionine 1).
Molecular consequence: missense variant, initiator codon variant.
Genome position (GRCh38, 1-based): chr5:54,455,790, A>G. VCF-style: chr5-54455790-A-G. GRCh37 (hg19) VCF-style: chr5-53751620-A-G.
Other names: short protein forms M1V.
Identifiers: ClinVar variation 488693 (VCV000488693.3), dbSNP rs368634232, ClinGen allele CA3264583.